The following is an entry in ClinVar:

ClinVar aggregate classification (germline): Conflicting classifications of pathogenicity. Review status: criteria provided, conflicting classifications (1 of 4 stars). 9 submissions from 9 submitters: Uncertain significance (2); Benign (2); Likely benign (5). Last evaluated 2026-01-28.

Conditions:
POLG-related disorder. Also called: POLG-Related Spectrum Disorders; POLG-related condition; POLG-Related Disorders. Identifiers: MedGen C4763519.
Inborn genetic diseases. Identifiers: MedGen C0950123, MeSH D030342.
Progressive sclerosing poliodystrophy (MTDPS4A). Also called: Alpers Syndrome; ALPERS DIFFUSE DEGENERATION OF CEREBRAL GRAY MATTER WITH HEPATIC CIRRHOSIS; Alpers-Huttenlocher Syndrome; Mitochondrial DNA depletion syndrome 4A (Alpers type); Mitochondrial DNA Depletion Syndrome 4A; Alpers-Huttenlocher Syndrome (AHS). Identifiers: Orphanet 726, MedGen C0205710, MONDO:0008758, OMIM 203700.

Allele frequency attached by ClinVar (database versions not stated): gnomAD 0.00024 and 0.00031; ESP Exome Variant Server 0.00031; TOPMed 0.00036; gnomAD exomes 0.00047 and 0.00050; ExAC 0.00062; 1000 Genomes Project 30x 0.00125; 1000 Genomes Project 0.00140.

Submissions (9):

Labcorp Genetics (formerly Invitae), Labcorp
Classification: Benign for Progressive sclerosing poliodystrophy. Last evaluated: 2026-01-28. Review status: criteria provided, single submitter. Criteria: Invitae Variant Classification Sherloc (09022015). Collection method: clinical testing. Allele origin: germline.

CeGaT Center for Human Genetics Tuebingen
Classification: Likely benign. Last evaluated: 2025-07-01. Review status: criteria provided, single submitter. Criteria: CeGaT Center For Human Genetics Tuebingen Variant Classification Criteria Version 2. Collection method: clinical testing. Allele origin: germline. Affected: yes. Observed: 5 variant alleles.
Comment: POLG: BP4, BP7

Blueprint Genetics
Classification: Likely benign. Last evaluated: 2024-09-05. Review status: criteria provided, single submitter. Criteria: ACMG Guidelines, 2015. Collection method: clinical testing. Allele origin: germline.

Wong Mito Lab, Molecular and Human Genetics, Baylor College of Medicine
Classification: Likely benign for Progressive sclerosing poliodystrophy. Last evaluated: 2018-10-01. Review status: criteria provided, single submitter. Criteria: ACMG Guidelines, 2015. Collection method: clinical testing. Allele origin: germline.
Comment: The NM_002693.2:c.2541C>T (NP_002684.1:p.Ala847=) [GRCH38: NC_000015.10:g.89321793G>A] variant in POLG gene is interpretated to be a Likely Benign based on ACMG guidelines (PMID: 25741868). This variant meets the following evidence codes reported in the ACMG-guideline. BS1:The minor allele frequency of this allele is high for Mitochondrial DNA depletion syndrome 4A (Alpers type). BP4:Computational evidence/predictors indicate no impact on the POLG structure, function, or protein-protein interaction. BP7:The variant is silent with non predicted splice impact. Based on the evidence criteria codes applied, the variant is suggested to be Likely Benign.

Athena Diagnostics
Classification: Likely benign. Last evaluated: 2017-12-27. Review status: criteria provided, single submitter. Criteria: Athena Diagnostics Criteria. Collection method: clinical testing. Allele origin: germline.

Eurofins Ntd Llc (ga)
Classification: Uncertain significance. Last evaluated: 2017-06-06. Review status: criteria provided, single submitter. Criteria: EGL Classification Definitions 2015. Collection method: clinical testing. Allele origin: germline. Observed: 2 variant alleles, 2 heterozygotes.

Ambry Genetics
Classification: Likely benign for Inborn genetic diseases. Last evaluated: 2017-05-27. Review status: criteria provided, single submitter. Criteria: Ambry Variant Classification Scheme 2023. Collection method: clinical testing. Allele origin: germline.

Illumina Laboratory Services, Illumina
Classification: Uncertain significance for POLG-Related Spectrum Disorders. Last evaluated: 2017-04-27. Review status: criteria provided, single submitter. Criteria: ICSL Variant Classification Criteria 13 December 2019. Collection method: clinical testing. Allele origin: germline.
Comment: This variant was observed as part of a predisposition screen in an ostensibly healthy population. A literature search was performed for the gene, cDNA change, and amino acid change (where applicable). Publications were found based on this search. However, the evidence from the literature, in combination with allele frequency data from public databases where available, was not sufficient to rule this variant in or out of causing disease. Therefore, this variant is classified as a variant of unknown significance.

GeneDx
Classification: Benign. Last evaluated: 2013-10-07. Review status: criteria provided, single submitter. Criteria: GeneDx Variant Classification (06012015). Collection method: clinical testing. Allele origin: germline. Affected: yes.
Comment: This variant is considered likely benign or benign based on one or more of the following criteria: it is a conservative change, it occurs at a poorly conserved position in the protein, it is predicted to be benign by multiple in silico algorithms, and/or has population frequency not consistent with disease.

Literature cited by the submitters: PubMed 16943369 (cited by Athena Diagnostics and Illumina Laboratory Services, Illumina).

NM_002693.3(POLG):c.2541C>T (p.Ala847=)

Gene: POLG (DNA polymerase gamma, catalytic subunit; minus strand). Cytogenetic location: 15q26.1.
Variant type: single nucleotide variant.
Coding change: c.2541C>T on transcript NM_002693.3 (MANE Select); coding-DNA position 2541, C replaced by T.
Protein change: p.Ala847=; no amino-acid change (alanine 847 retained).
Molecular consequence: synonymous variant.
Genome position (GRCh38, 1-based): chr15:89,321,793, G>A on the plus strand (C>T on the coding strand, the complement: POLG is on the minus strand). VCF-style: chr15-89321793-G-A. GRCh37 (hg19) VCF-style: chr15-89865024-G-A.
Other names: p.A847A:GCC>GCT; c.2541C>T, p.Ala847= (NM_001126131.2).
Identifiers: ClinVar variation 138748 (VCV000138748.55), dbSNP rs143810171, ClinGen allele CA292831.